The following is an entry in ClinVar:

NM_006734.4(HIVEP2):c.2234C>T (p.Ala745Val)

Gene: HIVEP2 (HIVEP zinc finger 2; minus strand). Cytogenetic location: 6q24.2.
Variant type: single nucleotide variant.
Coding change: c.2234C>T on transcript NM_006734.4 (MANE Select); coding-DNA position 2234, C replaced by T.
Protein change: p.Ala745Val; replaces alanine 745 with valine.
Molecular consequence: missense variant.
Genome position (GRCh38, 1-based): chr6:142,772,505, G>A on the plus strand (C>T on the coding strand, the complement: HIVEP2 is on the minus strand). VCF-style: chr6-142772505-G-A. GRCh37 (hg19) VCF-style: chr6-143093642-G-A.
Other names: short protein forms A745V.
Identifiers: ClinVar variation 3657100 (VCV003657100.2).

ClinVar aggregate classification (germline): Uncertain significance (1 of 4 stars; one submission).

Submission:

Labcorp Genetics (formerly Invitae), Labcorp
Classification: Uncertain significance. Last evaluated: 2024-12-02. Review status: criteria provided, single submitter. Criteria: Invitae Variant Classification Sherloc (09022015). Collection method: clinical testing. Allele origin: germline.
Comment: This sequence change replaces alanine, which is neutral and non-polar, with valine, which is neutral and non-polar, at codon 745 of the HIVEP2 protein (p.Ala745Val). This variant is not present in population databases (gnomAD no frequency). This variant has not been reported in the literature in individuals affected with HIVEP2-related conditions. Invitae Evidence Modeling of protein sequence and biophysical properties (such as structural, functional, and spatial information, amino acid conservation, physicochemical variation, residue mobility, and thermodynamic stability) indicates that this missense variant is not expected to disrupt HIVEP2 protein function with a negative predictive value of 80%. In summary, the available evidence is currently insufficient to determine the role of this variant in disease. Therefore, it has been classified as a Variant of Uncertain Significance.